The following is an entry in ClinVar:

ClinVar aggregate classification (germline): Uncertain significance (1 of 4 stars; one submission).

gnomAD v4.1: 3 of 1,614,002 alleles (0.00019%); highest among the groups gnomAD compares: South Asian, 0.0022%; no homozygotes.

Submission:

Ambry Genetics
Classification: Uncertain significance. Last evaluated: 2023-06-24. Review status: criteria provided, single submitter. Criteria: Ambry Variant Classification Scheme 2023. Collection method: clinical testing. Allele origin: germline.
Comment: The p.R2169L variant (also known as c.6506G>T), located in coding exon 21 of the POLQ gene, results from a G to T substitution at nucleotide position 6506. The arginine at codon 2169 is replaced by leucine, an amino acid with dissimilar properties. This amino acid position is conserved. In addition, this alteration is predicted to be tolerated by in silico analysis. Since supporting evidence is limited at this time, the clinical significance of this alteration remains unclear.

NM_199420.4(POLQ):c.6506G>T (p.Arg2169Leu)

Gene: POLQ (DNA polymerase theta; minus strand). Cytogenetic location: 3q13.33.
Variant type: single nucleotide variant.
Coding change: c.6506G>T on transcript NM_199420.4 (MANE Select); coding-DNA position 6506, G replaced by T.
Protein change: p.Arg2169Leu; replaces arginine 2169 with leucine.
Molecular consequence: missense variant.
Genome position (GRCh38, 1-based): chr3:121,473,387, C>A on the plus strand (G>T on the coding strand, the complement: POLQ is on the minus strand). VCF-style: chr3-121473387-C-A. GRCh37 (hg19) VCF-style: chr3-121192234-C-A.
Other names: short protein forms R2169L.
Identifiers: ClinVar variation 2625843 (VCV002625843.2), dbSNP rs766096475, ClinGen allele CA354085876.